The following is an entry in ClinVar:

ClinVar aggregate classification (germline): Uncertain significance (1 of 4 stars; one submission).

Conditions:
Rabin-Pappas syndrome. Identifiers: MedGen C5774269, MONDO:0859331, OMIM 620155.

Submission:

OLLIN Analises Genomicas, OLLIN
Classification: Uncertain significance for Rabin-Pappas syndrome. Last evaluated: 2026-08-06. Review status: criteria provided, single submitter. Criteria: ACMG Guidelines 2015 PMID 25741868. Collection method: clinical testing. Allele origin: germline.
Comment: This missense variant, located in exon 12 (of 21), is absent from gnomAD and ClinVar and has not been identified in the literature. In silico analysis predicts that this variant has a tolerated effect. According to the currently available evidence, this variant has been classified as uncertain significance (PM2_P, BP4).

NM_014159.7(SETD2):c.5686G>A (p.Ala1896Thr)

Gene: SETD2 (SET domain containing 2, histone lysine methyltransferase; minus strand). Cytogenetic location: 3p21.31.
Variant type: single nucleotide variant.
Coding change: c.5686G>A on transcript NM_014159.7 (MANE Select); coding-DNA position 5686, G replaced by A.
Protein change: p.Ala1896Thr; replaces alanine 1896 with threonine.
Molecular consequence: missense variant. On other transcripts: non-coding transcript variant (1).
Genome position (GRCh38, 1-based): chr3:47,084,094, C>T on the plus strand (G>A on the coding strand, the complement: SETD2 is on the minus strand). VCF-style: chr3-47084094-C-T. GRCh37 (hg19) VCF-style: chr3-47125584-C-T.
Other names: c.5554G>A, p.Ala1852Thr (NM_001349370.3); short protein forms A1852T, A1896T.
Identifiers: ClinVar variation 5002920 (VCV005002920.1).
Genomic context (GRCh38, chr3:47,084,094, plus strand): 5'-GGACATTTTCTAATTGATCAAGATCCTCTTTGCCATCCTTGCCTTCTAGCTCACTGGTTG[C>T]ATCAGAGATTGCACTGTCCATGCTATTTTCACTTATAATTTTCAGTCTGCGAAACATTAG-3'
Protein context (NP_054878.5, residues 1886-1906): ENSMDSAISD[Ala1896Thr]TSELEGKDGK